The following is an entry in ClinVar:

ClinVar aggregate classification (germline): Uncertain significance (1 of 4 stars; one submission).

Conditions:
Intellectual disability, X-linked, with or without seizures, ARX-related. Also called: INTELLECTUAL DEVELOPMENTAL DISORDER, X-LINKED 29; Mental retardation, X-linked 52; MENTAL RETARDATION, X-LINKED 29; MENTAL RETARDATION, X-LINKED 32; MENTAL RETARDATION, X-LINKED 33; MENTAL RETARDATION, X-LINKED 38. Identifiers: Orphanet 777, MedGen C0796244, MONDO:0010317, OMIM 300419.

Allele frequency attached by ClinVar (database versions not stated): gnomAD exomes below 0.00001.
gnomAD v4.1: 1 of 1,151,805 alleles (0.000087%); highest among the groups gnomAD compares: South Asian, 0.0019%; no homozygotes.

Submission:

New York Genome Center
Classification: Uncertain significance for Intellectual disability, X-linked, with or without seizures, ARX-related. Last evaluated: 2020-05-05. Review status: criteria provided, single submitter. Criteria: NYGC Assertion Criteria 2020. Collection method: clinical testing. Allele origin: inherited. Observed: 1 heterozygote. Study: CSER-NYCKidSeq.
Comment: The c.659G>C (p.Gly220Ala) variant identified in the ARX gene substitutes a conserved Glycine for Alanine at amino acid 220/563 (coding exon 2/5). This variant is absent from gnomAD(v3.0)suggesting it is not a common benign variant in the populations represented in this database. In silico algorithms predict this variant to be Neutral (Provean; score:-0.07) and Tolerated (SIFT; score: 0.18) to the function of the canonical transcript. This variant is absent from ClinVar and to our current knowledge has not been reported in affected individuals in the literature. The p.Gly220 residue is not within a mapped domain of ARX and is N-terminal to the Glu-rich Acidic domain of the protein (UniProt; Q96QS3). Given the lack of compelling evidence for its pathogenicity, the c.659G>C (p.Gly220Ala) variant identified in the ARX gene is reported here as a Variant of Uncertain Significance.

NM_139058.3(ARX):c.659G>C (p.Gly220Ala)

Gene: ARX (aristaless related homeobox; minus strand). Cytogenetic location: Xp21.3.
Variant type: single nucleotide variant.
Coding change: c.659G>C on transcript NM_139058.3 (MANE Select); coding-DNA position 659, G replaced by C.
Protein change: p.Gly220Ala; replaces glycine 220 with alanine.
Molecular consequence: missense variant.
Genome position (GRCh38, 1-based): chrX:25,013,336, C>G on the plus strand (G>C on the coding strand, the complement: ARX is on the minus strand). VCF-style: chrX-25013336-C-G. GRCh37 (hg19) VCF-style: chrX-25031453-C-G.
Other names: short protein forms G220A.
Identifiers: ClinVar variation 1098644 (VCV001098644.1), dbSNP rs2147323924, ClinGen allele CA412612714.